The following is an entry in ClinVar:

ClinVar aggregate classification (germline): Uncertain significance. Review status: criteria provided, multiple submitters, no conflicts (2 of 4 stars). 4 submissions from 4 submitters: Uncertain significance (4). Last evaluated 2024-09-03.

Conditions:
Brody myopathy. Also called: BRODY DISEASE. Identifiers: Orphanet 53347, MedGen C1832918, MONDO:0010977, OMIM 601003.
Inborn genetic diseases. Identifiers: MedGen C0950123, MeSH D030342.

Allele frequency attached by ClinVar (database versions not stated): gnomAD exomes 0.00002; ExAC 0.00003; gnomAD 0.00006; TOPMed 0.00006; ESP Exome Variant Server 0.00015.
gnomAD v4.1: 80 of 1,567,794 alleles (0.0051%); highest among the groups gnomAD compares: Non-Finnish European, 0.0051%; no homozygotes.

Submissions (4):

Ambry Genetics
Classification: Uncertain significance for Inborn genetic diseases. Last evaluated: 2024-09-03. Review status: criteria provided, single submitter. Criteria: Ambry Variant Classification Scheme 2023. Collection method: clinical testing. Allele origin: germline.

Labcorp Genetics (formerly Invitae), Labcorp
Classification: Uncertain significance for Brody myopathy. Last evaluated: 2022-06-13. Review status: criteria provided, single submitter. Criteria: Invitae Variant Classification Sherloc (09022015). Collection method: clinical testing. Allele origin: germline.
Comment: This sequence change replaces valine, which is neutral and non-polar, with methionine, which is neutral and non-polar, at codon 594 of the ATP2A1 protein (p.Val594Met). This variant is present in population databases (rs142091964, gnomAD 0.03%). This variant has not been reported in the literature in individuals affected with ATP2A1-related conditions. ClinVar contains an entry for this variant (Variation ID: 318778). Algorithms developed to predict the effect of missense changes on protein structure and function are either unavailable or do not agree on the potential impact of this missense change (SIFT: "Deleterious"; PolyPhen-2: "Possibly Damaging"; Align-GVGD: "Class C0"). In summary, the available evidence is currently insufficient to determine the role of this variant in disease. Therefore, it has been classified as a Variant of Uncertain Significance.

GeneDx
Classification: Uncertain significance. Last evaluated: 2019-05-24. Review status: criteria provided, single submitter. Criteria: GeneDx Variant Classification Process June 2021. Collection method: clinical testing. Allele origin: germline. Affected: yes.
Comment: In silico analysis, which includes protein predictors and evolutionary conservation, supports a deleterious effect; Has not been previously published as pathogenic or benign to our knowledge

Illumina Laboratory Services, Illumina
Classification: Uncertain significance for Brody myopathy. Last evaluated: 2018-01-12. Review status: criteria provided, single submitter. Criteria: ICSL Variant Classification Criteria 13 December 2019. Collection method: clinical testing. Allele origin: germline.

NM_004320.6(ATP2A1):c.1780G>A (p.Val594Met)

Gene: ATP2A1 (ATPase sarcoplasmic/endoplasmic reticulum Ca2+ transporting 1; plus strand). Cytogenetic location: 16p11.2.
Variant type: single nucleotide variant.
Coding change: c.1780G>A on transcript NM_004320.6 (MANE Select); coding-DNA position 1780, G replaced by A.
Protein change: p.Val594Met; replaces valine 594 with methionine.
Molecular consequence: missense variant.
Genome position (GRCh38, 1-based): chr16:28,900,596, G>A. VCF-style: chr16-28900596-G-A. GRCh37 (hg19) VCF-style: chr16-28911917-G-A.
Other names: c.1405G>A, p.Val469Met (NM_001286075.2); c.1780G>A, p.Val594Met (NM_173201.5); short protein forms V594M, V469M.
Identifiers: ClinVar variation 318778 (VCV000318778.13), dbSNP rs142091964, ClinGen allele CA7987085.
Genomic context (GRCh38, chr16:28,900,596, plus strand): 5'-TCCAGATCCCCACCTGACCTGTGGCTCTCTGCTGTATCTCCCCAGACGGACCTGACATTC[G>A]TGGGTGTAGTGGGCATGCTGGACCCTCCGCGCAAGGAGGTCACGGGCTCCATCCAGCTGT-3'
Protein context (NP_004311.1, residues 584-604): FLEYETDLTF[Val594Met]GVVGMLDPPR